The following is an entry in ClinVar:

ClinVar aggregate classification (germline): Pathogenic. Review status: criteria provided, multiple submitters, no conflicts (2 of 4 stars). 4 submissions from 4 submitters: Pathogenic (3). 1 of the submissions does not count toward it. Last evaluated 2026-02-25.

Conditions:
Neurofibromatosis, type 1 (NF1). Also called: Peripheral type neurofibromatosis; NEUROFIBROMATOSIS, TYPE I, SOMATIC; VON RECKLINGHAUSEN DISEASE; Neurofibromatosis, type I. Identifiers: Orphanet 636, MedGen C0027831, MONDO:0018975, OMIM 162200. Disease mechanism: loss of function.
Cardiovascular phenotype. Identifiers: MedGen CN230736.
Hereditary cancer-predisposing syndrome. Also called: Tumor predisposition; Hereditary Cancer Syndrome; Neoplastic Syndromes, Hereditary; Hereditary neoplastic syndrome. Identifiers: Orphanet 140162, MedGen C0027672, MeSH D009386, MONDO:0015356.

Submissions (4):

Myriad Genetics, Inc.
Classification: Pathogenic for Neurofibromatosis, type 1. Last evaluated: 2026-02-25. Review status: criteria provided, single submitter. Criteria: Myriad Autosomal Dominant, Autosomal Recessive and X-Linked Classification Criteria (2023). Collection method: clinical testing. Allele origin: unknown.
Comment: This variant is considered pathogenic. This variant creates a frameshift predicted to result in premature protein truncation.

GeneDx
Classification: Pathogenic. Last evaluated: 2023-03-22. Review status: criteria provided, single submitter. Criteria: GeneDx Variant Classification Process June 2021. Collection method: clinical testing. Allele origin: germline. Affected: yes.
Comment: Frameshift variant predicted to result in protein truncation or nonsense mediated decay in a gene for which loss of function is a known mechanism of disease; Not observed at significant frequency in large population cohorts (gnomAD); Apparently de novo variant in a patient with Neurofibromatosis type 1 (Bonatti et al., 2017) and observed in multiple unrelated patients with a personal or family history consistent with pathogenic variants in this gene at GeneDx; This variant is associated with the following publications: (PMID: 28961165)

Ambry Genetics
Classification: Pathogenic for Cardiovascular phenotype; Hereditary cancer-predisposing syndrome. Last evaluated: 2020-03-20. Review status: criteria provided, single submitter. Criteria: Ambry Variant Classification Scheme 2023. Collection method: clinical testing. Allele origin: germline.
Comment: The c.2034delGinsCA pathogenic mutation, located in coding exon 18 of the NF1 gene, results from the deletion of one nucleotide and insertion of two nucleotides at position 2034, causing a translational frameshift with a predicted alternate stop codon (p.I679Nfs*21). In addition to the clinical data presented in the literature, this alteration is expected to result in loss of function by premature protein truncation or nonsense-mediated mRNA decay. As such, this alteration is interpreted as a disease-causing mutation.

Medical Genetics, University of Parma
Classification: Pathogenic for Neurofibromatosis type 1. Last evaluated: 2017-02-02. Review status: no assertion criteria provided. Collection method: clinical testing. Allele origin: germline. Affected: yes. Not counted in ClinVar's aggregate classification.

NM_001042492.3(NF1):c.2034delinsCA (p.Ile679fs)

Gene: NF1 (neurofibromin 1; plus strand). Cytogenetic location: 17q11.2.
Variant type: Indel.
Coding change: c.2034delinsCA on transcript NM_001042492.3 (MANE Select); coding-DNA position 2034, G replaced by CA.
Protein change: p.Ile679fs; shifts the reading frame from isoleucine 679.
Molecular consequence: frameshift variant.
Genome position (GRCh38, 1-based): chr17:31,226,467, G replaced by CA. VCF-style: chr17-31226467-G-CA. GRCh37 (hg19) VCF-style: chr17-29553485-G-CA.
Other names: c.2034delGinsCA (NM_000267.3); c.2034delGinsCA, p.Ile679Asnfs (NM_000267.4); short protein forms I679fs.
Identifiers: ClinVar variation 423262 (VCV000423262.8), dbSNP rs1064796331, ClinGen allele CA16620360.